The following is an entry in ClinVar:

NM_006904.7(PRKDC):c.8092C>G (p.Pro2698Ala)

Gene: PRKDC (protein kinase, DNA-activated, catalytic subunit; minus strand). Cytogenetic location: 8q11.21.
Variant type: single nucleotide variant.
Coding change: c.8092C>G on transcript NM_006904.7 (MANE Select); coding-DNA position 8092, C replaced by G.
Protein change: p.Pro2698Ala; replaces proline 2698 with alanine.
Molecular consequence: missense variant.
Genome position (GRCh38, 1-based): chr8:47,834,256, G>C on the plus strand (C>G on the coding strand, the complement: PRKDC is on the minus strand). VCF-style: chr8-47834256-G-C. GRCh37 (hg19) VCF-style: chr8-48746817-G-C.
Other names: c.8092C>G, p.Pro2698Ala (NM_001081640.2); short protein forms P2698A.
Identifiers: ClinVar variation 1761961 (VCV001761961.2), dbSNP rs2551867064, ClinGen allele CA371149393.

ClinVar aggregate classification (germline): Uncertain significance (1 of 4 stars; one submission).

Submission:

Ambry Genetics
Classification: Uncertain significance. Last evaluated: 2022-01-08. Review status: criteria provided, single submitter. Criteria: Ambry Variant Classification Scheme 2023. Collection method: clinical testing. Allele origin: germline.
Comment: The p.P2698A variant (also known as c.8092C>G), located in coding exon 59 of the PRKDC gene, results from a C to G substitution at nucleotide position 8092. The proline at codon 2698 is replaced by alanine, an amino acid with highly similar properties. This amino acid position is conserved. In addition, the in silico prediction for this alteration is inconclusive. Since supporting evidence is limited at this time, the clinical significance of this alteration remains unclear.